The following is an entry in ClinVar:

NM_005050.4(ABCD4):c.1508C>A (p.Ser503Tyr)

Gene: ABCD4 (ATP binding cassette subfamily D member 4; minus strand). Cytogenetic location: 14q24.3.
Variant type: single nucleotide variant.
Coding change: c.1508C>A on transcript NM_005050.4 (MANE Select); coding-DNA position 1508, C replaced by A.
Protein change: p.Ser503Tyr; replaces serine 503 with tyrosine.
Molecular consequence: missense variant. On other transcripts: non-coding transcript variant (10).
Genome position (GRCh38, 1-based): chr14:74,288,258, G>T on the plus strand (C>A on the coding strand, the complement: ABCD4 is on the minus strand). VCF-style: chr14-74288258-G-T. GRCh37 (hg19) VCF-style: chr14-74754961-G-T.
Other names: c.1382C>A, p.Ser461Tyr (NM_001353591.2, NM_001353592.2); c.1247C>A, p.Ser416Tyr (NM_001353593.2); c.1196C>A, p.Ser399Tyr (NM_001353594.2); c.1094C>A, p.Ser365Tyr (NM_001353595.2, NM_001353596.2); c.1043C>A, p.Ser348Tyr (NM_001353597.2); c.1031C>A, p.Ser344Tyr (NM_001353598.2, NM_001353599.2, NM_001353600.2 and 2 more transcripts); c.719C>A, p.Ser240Tyr (NM_001353602.2, NM_001353603.2, NM_001353604.2 and 5 more transcripts); c.775C>A, p.Pro259Thr (NM_001353610.2); and 1 more; short protein forms P259T, S240Y, S344Y, S348Y, S365Y, S399Y, S416Y, S461Y.
Identifiers: ClinVar variation 3731422 (VCV003731422.1).

ClinVar aggregate classification (germline): Uncertain significance (1 of 4 stars; one submission).

Conditions:
Methylmalonic acidemia with homocystinuria, type cblJ (MAHCJ). Also called: METHYLMALONIC ACIDURIA AND HOMOCYSTINURIA, cblJ TYPE. Identifiers: Orphanet 369955, MedGen C3553915, MONDO:0013925, OMIM 614857.

Submission:

Neuberg Centre For Genomic Medicine, NCGM
Classification: Uncertain significance for Methylmalonic acidemia with homocystinuria, type cblJ. Last evaluated: 2023-06-22. Review status: criteria provided, single submitter. Criteria: ACMG Guidelines, 2015. Collection method: clinical testing. Allele origin: germline. Inheritance: Autosomal recessive inheritance. Affected: yes.
Comment: The missense variant in c.1508C>A (p.Ser503Tyr) in ABCD4 gene has not been reported previously as a pathogenic variant nor as a benign variant, to our knowledge. The p.Ser503Tyr variant is present with allele frequency of 0.002% in gnomAD exomes database. This variant has not been submitted to the ClinVar database. Multiple lines of computational evidence (Polyphen - benign, SIFT - tolerated and MutationTaster - disease causing) predicts conflicting evidence on protein structure and function for this variant. The reference amino acid at this position on ABCD4 gene is predicted as conserved by GERP++ and PhyloP across 100 vertebrates. The amino acid Ser at position 503 is changed to a Tyr changing protein sequence and it might alter its composition and physicochemical properties. For these reasons, this variant has been classified as Uncertain Significance (VUS). In the absence of another reportable variant in ABCD4 gene, the molecular diagnosis is not confirmed.